The following is an entry in ClinVar:

ClinVar aggregate classification (germline): Uncertain significance. Review status: criteria provided, multiple submitters, no conflicts (2 of 4 stars). 3 submissions from 3 submitters: Uncertain significance (3). Last evaluated 2025-04-09.

Conditions:
Cardiovascular phenotype. Identifiers: MedGen CN230736.

Allele frequency attached by ClinVar (database versions not stated): gnomAD 0.00001; ExAC 0.00005.
gnomAD v4.1: 40 of 1,603,104 alleles (0.0025%); highest among the groups gnomAD compares: Admixed American, 0.0034%; no homozygotes.

Submissions (3):

Molecular Diagnostic Laboratory for Inherited Cardiovascular Disease, Montreal Heart Institute
Classification: Uncertain significance for Cardiovascular phenotype. Last evaluated: 2025-04-09. Review status: criteria provided, single submitter. Criteria: ACMG Guidelines, 2015. Collection method: clinical testing. Allele origin: germline. Affected: yes.
Comment: PM2

Blueprint Genetics
Classification: Uncertain significance. Last evaluated: 2024-11-13. Review status: criteria provided, single submitter. Criteria: ACMG Guidelines, 2015. Collection method: clinical testing. Allele origin: germline.

Labcorp Genetics (formerly Invitae), Labcorp
Classification: Uncertain significance. Last evaluated: 2024-04-02. Review status: criteria provided, single submitter. Criteria: Invitae Variant Classification Sherloc (09022015). Collection method: clinical testing. Allele origin: germline.
Comment: This sequence change replaces arginine, which is basic and polar, with cysteine, which is neutral and slightly polar, at codon 523 of the LMF1 protein (p.Arg523Cys). This variant is present in population databases (rs758116895, gnomAD 0.007%). This missense change has been observed in individual(s) with clinical features of LMF1-related conditions (PMID: 32041611, 33303402). ClinVar contains an entry for this variant (Variation ID: 1897810). An algorithm developed to predict the effect of missense changes on protein structure and function (PolyPhen-2) suggests that this variant is likely to be disruptive. In summary, the available evidence is currently insufficient to determine the role of this variant in disease. Therefore, it has been classified as a Variant of Uncertain Significance.

Literature cited by the submitters: PubMed 32041611 (cited by Labcorp Genetics (formerly Invitae), Labcorp); PubMed 33303402 (cited by Labcorp Genetics (formerly Invitae), Labcorp).

NM_022773.4(LMF1):c.1567C>T (p.Arg523Cys)

Gene: LMF1 (lipase maturation factor 1; minus strand). Cytogenetic location: 16p13.3.
Variant type: single nucleotide variant.
Coding change: c.1567C>T on transcript NM_022773.4 (MANE Select); coding-DNA position 1567, C replaced by T.
Protein change: p.Arg523Cys; replaces arginine 523 with cysteine.
Molecular consequence: missense variant. On other transcripts: non-coding transcript variant (1).
Genome position (GRCh38, 1-based): chr16:854,669, G>A on the plus strand (C>T on the coding strand, the complement: LMF1 is on the minus strand). VCF-style: chr16-854669-G-A. GRCh37 (hg19) VCF-style: chr16-904669-G-A.
Other names: c.916C>T, p.Arg306Cys (NM_001352017.2, NM_001352021.2); c.1168C>T, p.Arg390Cys (NM_001352018.2); c.1240C>T, p.Arg414Cys (NM_001352019.2); c.1487C>T, p.Pro496Leu (NM_001352020.1); short protein forms R414C, P496L, R390C, R523C, R306C.
Identifiers: ClinVar variation 1897810 (VCV001897810.6), dbSNP rs758116895, ClinGen allele CA7796878.